The following is an entry in ClinVar:

NM_001386140.1(MTTP):c.2533G>A (p.Glu845Lys)

Gene: MTTP (microsomal triglyceride transfer protein; plus strand). Cytogenetic location: 4q23.
Variant type: single nucleotide variant.
Coding change: c.2533G>A on transcript NM_001386140.1 (MANE Select); coding-DNA position 2533, G replaced by A.
Protein change: p.Glu845Lys; replaces glutamic acid 845 with lysine.
Molecular consequence: missense variant.
Genome position (GRCh38, 1-based): chr4:99,622,696, G>A. VCF-style: chr4-99622696-G-A. GRCh37 (hg19) VCF-style: chr4-100543853-G-A.
Other names: c.2533G>A, p.Glu845Lys (NM_000253.4); c.2284G>A, p.Glu762Lys (NM_001300785.2); short protein forms E762K, E845K.
Identifiers: ClinVar variation 2140826 (VCV002140826.1), dbSNP rs746203182, ClinGen allele CA3022400.

ClinVar aggregate classification (germline): Uncertain significance (1 of 4 stars; one submission).

Allele frequency attached by ClinVar (database versions not stated): ExAC 0.00001; gnomAD 0.00001; TOPMed 0.00001.

Submission:

Labcorp Genetics (formerly Invitae), Labcorp
Classification: Uncertain significance. Last evaluated: 2022-09-27. Review status: criteria provided, single submitter. Criteria: Invitae Variant Classification Sherloc (09022015). Collection method: clinical testing. Allele origin: germline.
Comment: This sequence change replaces glutamic acid, which is acidic and polar, with lysine, which is basic and polar, at codon 845 of the MTTP protein (p.Glu845Lys). This variant is present in population databases (rs746203182, gnomAD 0.0009%). This variant has not been reported in the literature in individuals affected with MTTP-related conditions. Advanced modeling of protein sequence and biophysical properties (such as structural, functional, and spatial information, amino acid conservation, physicochemical variation, residue mobility, and thermodynamic stability) performed at Invitae indicates that this missense variant is expected to disrupt MTTP protein function. In summary, the available evidence is currently insufficient to determine the role of this variant in disease. Therefore, it has been classified as a Variant of Uncertain Significance.